The following is an entry in ClinVar:

NM_016188.5(ACTL6B):c.414C>T (p.Phe138=)

Gene: ACTL6B (actin like 6B; minus strand). Cytogenetic location: 7q22.1.
Variant type: single nucleotide variant.
Coding change: c.414C>T on transcript NM_016188.5 (MANE Select); coding-DNA position 414, C replaced by T.
Protein change: p.Phe138=; no amino-acid change (phenylalanine 138 retained).
Molecular consequence: synonymous variant. On other transcripts: non-coding transcript variant (1).
Genome position (GRCh38, 1-based): chr7:100,650,091, G>A on the plus strand (C>T on the coding strand, the complement: ACTL6B is on the minus strand). VCF-style: chr7-100650091-G-A. GRCh37 (hg19) VCF-style: chr7-100247714-G-A.
Identifiers: ClinVar variation 4990073 (VCV004990073.1).

ClinVar aggregate classification (germline): Likely benign (1 of 4 stars; one submission).

Conditions:
ACTL6B-related disorder. Also called: ACTL6B-related condition.

gnomAD v4.1: 1,450 of 1,613,932 alleles (0.09%); highest among the groups gnomAD compares: East Asian, 2.7%; 18 homozygotes.

Submission:

PreventionGenetics, part of Exact Sciences
Classification: Likely benign for ACTL6B-related condition. Last evaluated: 2025-11-20. Review status: criteria provided, single submitter. Criteria: ACMG Guidelines, 2015. Collection method: clinical testing. Allele origin: germline.
Comment: This variant is classified as likely benign based on ACMG/AMP sequence variant interpretation guidelines (Richards et al. 2015 PMID: 25741868, with internal and published modifications).